The following continues an entry in ClinVar:

NM_001377.3(DYNC2H1):c.9044A>G (p.Asp3015Gly)

Gene: DYNC2H1. ClinVar aggregate classification (germline): Pathogenic/Likely pathogenic. Pathogenic (15); Likely pathogenic (3).

Submissions 11 to 25 of 25:

Johns Hopkins Genomics, Johns Hopkins University
Classification: Likely pathogenic for Asphyxiating thoracic dystrophy 3. Last evaluated: 2020-05-19. Review status: criteria provided, single submitter. Criteria: ACMG Guidelines, 2015. Collection method: clinical testing. Allele origin: germline.
Comment: This DYNC2H1 variant (rs137853027) is rare (<0.1%) in a large population dataset (gnomAD: 73/279976 total alleles; 0.026%; no homozygotes). It has been reported previously in patients with Short-rib thoracic dysplasia (SRTD) and has an entry in ClinVar. Three bioinformatic tools queried predict that p.Asp3051Gly would be damaging, and the asparatic acid residue at this position is strongly conserved across all species assessed. Bioinformatic analysis predicts that this variant would not affect normal exon 57 splicing, although this has not been confirmed experimentally to our knowledge. In addition, functional studies using patient fibroblasts containing this variant show abnormal accumulation of transport proteins in the tips of cilia, suggesting a disruption of retrograde intraflagellar transport. We consider this variant to be likely pathogenic.

Illumina Laboratory Services, Illumina
Classification: Pathogenic for DYNC2H1-Related Disorders. Last evaluated: 2018-05-07. Review status: criteria provided, single submitter. Criteria: ICSL Variant Classification Criteria 09 May 2019. Collection method: clinical testing. Allele origin: germline.
Comment: The DYNC2H1 c.9044A>G (p.Asp3015Gly) missense variant has been reported in two studies in which it is found in a compound heterozygous state with a null variant in five individuals diagnosed with asphyxiating thoracic dystrophy (ATD), including two from one family. One of the individuals also carried a large deletion in the DYNC2H1 gene (Dagoneau et al. 2009; Schmidts et al. 2013). The p.Asp3015Gly variant was also found in a heterozygous state in three unaffected family members. The variant has not been reported in the literature in association with short-rib polydactyly syndrome which is also associated with variants in the DYNC2H1 gene. The p.Asp3015Gly variant was present at a frequency of < 0.005 in 1210 control chromosomes and is reported at a frequency of 0.000789 in the Ashkenazi Jewish population of the Genome Aggregation Database. Functional studies in patient fibroblasts demonstrated accumulation of transport proteins in the ciliary tips compared to wild type suggesting disrupted retrograde intraflagellar transport in cilia (Schmidts et al. 2013). Based on the collective evidence, the p.Asp3015Gly variant is classified as pathogenic for DYNC2H1-related disorders. This variant was observed by ICSL as part of a predisposition screen in an ostensibly healthy population.

Rare Disease Group, Clinical Genetics, Karolinska Institutet
Classification: Likely pathogenic for Jeune thoracic dystrophy. Last evaluated: 2018-05-01. Review status: criteria provided, single submitter. Criteria: ACMG Guidelines, 2015. Collection method: research. Allele origin: maternal. Inheritance: Autosomal recessive inheritance. Affected: yes. Observed: 3 variant alleles. Clinical features observed: Thoracic hypoplasia (HP:0005257), Short ribs (HP:0000773), Aplasia/Hypoplasia involving the pelvis (HP:0009103), Short long bone (HP:0003026), Finger symphalangism (HP:0009700), Femoral bowing (HP:0002980), Brachydactyly (HP:0001156), Bell-shaped thorax (HP:0001591), Coxa vara (HP:0002812), Metaphyseal widening (HP:0003016).

Eurofins Ntd Llc (ga)
Classification: Likely pathogenic. Last evaluated: 2017-06-23. Review status: criteria provided, single submitter. Criteria: EGL Classification Definitions 2015. Collection method: clinical testing. Allele origin: germline. Observed: 1 variant allele, 1 heterozygote.

Centre for Mendelian Genomics, University Medical Centre Ljubljana
Classification: Pathogenic for Bowing of the long bones; Fetal growth restriction; Narrow chest. Last evaluated: 2015-07-02. Review status: criteria provided, single submitter. Criteria: ACMG Guidelines, 2015. Collection method: clinical testing. Allele origin: unknown. Affected: yes.

Clinical Genetics and Genomics, Karolinska University Hospital
Classification: Pathogenic. Last evaluated: 2015-06-25. Review status: criteria provided, single submitter. Criteria: ACMG Guidelines, 2015. Collection method: clinical testing. Allele origin: germline. Affected: yes. Observed: 3 variant alleles.

Center for Pediatric Genomic Medicine, Children's Mercy Hospital and Clinics
Classification: Pathogenic. Last evaluated: 2015-03-13. Review status: criteria provided, single submitter. Criteria: ACMG Guidelines, 2015. Collection method: clinical testing. Allele origin: germline.

Genomic Medicine Lab, University of California San Francisco
Classification: Pathogenic for Asphyxiating thoracic dystrophy 3. Review status: criteria provided, single submitter. Criteria: ACMG Guidelines, 2015. Collection method: clinical testing. Allele origin: de novo. Study: CSER.

PreventionGenetics, part of Exact Sciences
Classification: Likely pathogenic for DYNC2H1-related condition. Last evaluated: 2024-01-18. Review status: no assertion criteria provided. Collection method: clinical testing. Allele origin: germline. Not counted in ClinVar's aggregate classification.
Comment: The DYNC2H1 c.9044A>G variant is predicted to result in the amino acid substitution p.Asp3015Gly. This variant has been reported in the compound heterozygous state in multiple individuals with asphyxiating thoracic dystrophy (Dagoneau et al. 2009. PubMed ID: 19442771; Baujat et al. 2013. PubMed ID: 23339108; Schmidts et al. 2013. PubMed ID: 23456818; Zhang et al. 2017. PubMed ID: 29068549; Marchuk et al. 2018. PubMed ID: 30557390; Čechová et al. 2019. PubMed ID: 31935347; Vora et al. 2020. PubMed ID: 31974414). In vitro functional studies using patient fibroblasts reveal abnormal accumulation of anterograde transport proteins in the tips of cilia, suggesting a disruption of retrograde intraflagellar transport (Schmidts et al. 2013. PubMed ID: 23456818). This variant is interpreted as likely pathogenic.

Dan Cohn Lab, University Of California Los Angeles
Classification: Pathogenic for Asphyxiating thoracic dystrophy. Last evaluated: 2017-06-01. Review status: no assertion criteria provided. Collection method: research. Allele origin: maternal, paternal, unknown. Affected: yes. Not counted in ClinVar's aggregate classification.

OMIM
Classification: Pathogenic for SHORT-RIB THORACIC DYSPLASIA 3 WITHOUT POLYDACTYLY. Last evaluated: 2009-05-01. Review status: no assertion criteria provided. Collection method: literature only. Allele origin: germline. Not counted in ClinVar's aggregate classification.

Genome Diagnostics Laboratory, Amsterdam University Medical Center
Classification: Pathogenic. Review status: no assertion criteria provided. Collection method: clinical testing. Allele origin: germline. Affected: yes. Study: VKGL Data-share Consensus. Not counted in ClinVar's aggregate classification.

Joint Genome Diagnostic Labs from Nijmegen and Maastricht, Radboudumc and MUMC+
Classification: Pathogenic. Review status: no assertion criteria provided. Collection method: clinical testing. Allele origin: germline. Affected: yes. Study: VKGL Data-share Consensus. Not counted in ClinVar's aggregate classification.

Laboratory of Diagnostic Genome Analysis, Leiden University Medical Center (LUMC)
Classification: Pathogenic. Review status: no assertion criteria provided. Collection method: clinical testing. Allele origin: germline. Affected: yes. Study: VKGL Data-share Consensus. Not counted in ClinVar's aggregate classification.

University of Washington Center for Mendelian Genomics, University of Washington
Classification: Likely pathogenic for asphyxiating thoracic dystrophy. Review status: no assertion criteria provided. Collection method: research. Allele origin: inherited. Affected: yes. Not counted in ClinVar's aggregate classification.

Literature cited by the submitters: PubMed 23456818 (cited by 6 submitters); PubMed 31935347 (cited by Dasa); PubMed 30557390 (cited by Dasa); PubMed 23339108 (cited by Labcorp Genetics (formerly Invitae), Labcorp and Johns Hopkins Genomics, Johns Hopkins University); PubMed 29068549 (cited by 5 submitters); PubMed 19442771 (cited by 4 submitters).